The following is an entry in ClinVar:

NM_001042413.2(GLIS3):c.*1602T>G

Gene: GLIS3 (GLIS family zinc finger 3; minus strand). Cytogenetic location: 9p24.2.
Variant type: single nucleotide variant.
Coding change: c.*1602T>G on transcript NM_001042413.2 (MANE Select); 1602 bases downstream of the stop codon, T replaced by G.
Molecular consequence: 3 prime UTR variant.
Genome position (GRCh38, 1-based): chr9:3,826,670, A>C on the plus strand (T>G on the coding strand, the complement: GLIS3 is on the minus strand). VCF-style: chr9-3826670-A-C. GRCh37 (hg19) VCF-style: chr9-3826670-A-C.
Other names: NC_000009.11:g.3826670A>C; c.*1602T>G (NM_152629.4).
Identifiers: ClinVar variation 366934 (VCV000366934.7), dbSNP rs80030970, ClinGen allele CA10634105.
Genomic context (GRCh38, chr9:3,826,670, plus strand): 5'-CTCATTCTACTGCATGTTGGAATGAACTCTGGAATCAGGTAGAATACTTCCGCTTGTGGG[A>C]CTGTGGAGGGAGACTGGAAGGACCTGTCAGTATACAAACTGTCACAGAATCCCATCTAAC-3'

ClinVar aggregate classification (germline): Benign. Review status: criteria provided, multiple submitters, no conflicts (2 of 4 stars). 2 submissions from 2 submitters: Benign (2). Last evaluated 2018-01-13.

Conditions:
Neonatal diabetes mellitus with congenital hypothyroidism. Also called: NDH SYNDROME. Identifiers: Orphanet 79118, MedGen C1857775, MONDO:0012436, OMIM 610199.

Allele frequency attached by ClinVar (database versions not stated): 1000 Genomes Project 0.06849; 1000 Genomes Project 30x 0.07230; gnomAD 0.08150 and 0.08524; TOPMed 0.08496; gnomAD exomes 0.25000.
gnomAD v4.1: 12,358 of 152,190 alleles (8.1%); highest among the groups gnomAD compares: African/African-American, 15%; 681 homozygotes.

Submissions (3):

Illumina Laboratory Services, Illumina
Classification: Benign for Neonatal diabetes mellitus with congenital hypothyroidism. Last evaluated: 2018-01-13. Review status: criteria provided, single submitter. Criteria: ICSL Variant Classification Criteria 13 December 2019. Collection method: clinical testing. Allele origin: germline.
Comment: This variant was observed in the ICSL laboratory as part of a predisposition screen in an ostensibly healthy population. It had not been previously curated by ICSL or reported in the Human Gene Mutation Database (HGMD: prior to June 1st, 2018), and was therefore a candidate for classification through an automated scoring system. Utilizing variant allele frequency, disease prevalence and penetrance estimates, and inheritance mode, an automated score was calculated to assess if this variant is too frequent to cause the disease. Based on the score and internal cut-off values, a variant classified as benign is not then subjected to further curation. The score for this variant resulted in a classification of benign for this disease.

Breakthrough Genomics
Classification: Benign. Review status: criteria provided, single submitter. Criteria: ACMG Guidelines, 2015. Collection method: not provided. Allele origin: germline. Inheritance: Autosomal recessive inheritance. Affected: yes.

Dr. Peter K. Rogan Lab, Western University
No classification provided (evidence only). Condition: Acute myeloid leukemia. Review status: no classification provided. Collection method: in vitro. Allele origin: not applicable. Functional consequence: retained intron. Not counted in ClinVar's aggregate classification.